The following is an entry in ClinVar:

NM_001267550.2(TTN):c.107377C>T (p.Pro35793Ser)

Genes: TTN-AS1 (TTN antisense RNA 1; plus strand), TTN (titin; minus strand). Cytogenetic location: 2q31.2.
Variant type: single nucleotide variant.
Coding change: c.107377C>T on transcript NM_001267550.2 (MANE Select); coding-DNA position 107377, C replaced by T.
Protein change: p.Pro35793Ser; replaces proline 35793 with serine.
Molecular consequence: missense variant.
Genome position (GRCh38, 1-based): chr2:178,528,274, G>A on the plus strand (C>T on the coding strand, the complement: TTN is on the minus strand). VCF-style: chr2-178528274-G-A. GRCh37 (hg19) VCF-style: chr2-179393001-G-A.
Other names: p.Pro34152Ser; c.102454C>T, p.Pro34152Ser (NM_001256850.1); c.80182C>T, p.Pro26728Ser (NM_003319.4); c.99673C>T, p.Pro33225Ser (NM_133378.4); c.80557C>T, p.Pro26853Ser (NM_133432.3); c.80758C>T, p.Pro26920Ser (NM_133437.4); short protein forms P33225S, P35793S, P26728S, P34152S, P26853S, P26920S.
Identifiers: ClinVar variation 1374300 (VCV001374300.9), dbSNP rs1337678636, ClinGen allele CA349401207.

ClinVar aggregate classification (germline): Uncertain significance. Review status: criteria provided, multiple submitters, no conflicts (2 of 4 stars). 2 submissions from 2 submitters: Uncertain significance (2). Last evaluated 2025-09-13.

Conditions:
Dilated cardiomyopathy 1G (CMD1G). Identifiers: Orphanet 154, MedGen C1858763, MONDO:0011400, OMIM 604145.
Autosomal recessive limb-girdle muscular dystrophy type 2J (LGMDR10). Also called: Limb-girdle muscular dystrophy, type 2J; MUSCULAR DYSTROPHY, LIMB-GIRDLE, AUTOSOMAL RECESSIVE 10. Identifiers: Orphanet 140922, MedGen C1837342, MONDO:0012127, OMIM 608807.

Allele frequency attached by ClinVar (database versions not stated): gnomAD 0.00001; gnomAD exomes 0.00001.
gnomAD v4.1: 8 of 1,613,406 alleles (0.0005%); highest among the groups gnomAD compares: East Asian, 0.0022%; no homozygotes.

Submissions (2):

Mayo Clinic Laboratories, Mayo Clinic
Classification: Uncertain significance. Last evaluated: 2025-09-13. Review status: criteria provided, single submitter. Criteria: ACMG Guidelines, 2015. Collection method: clinical testing. Allele origin: germline. Observed: 1 variant allele.
Comment: BP4_moderate, PM2_supporting

Labcorp Genetics (formerly Invitae), Labcorp
Classification: Uncertain significance for Dilated cardiomyopathy 1G; Autosomal recessive limb-girdle muscular dystrophy type 2J. Last evaluated: 2024-11-04. Review status: criteria provided, single submitter. Criteria: Invitae Variant Classification Sherloc (09022015). Collection method: clinical testing. Allele origin: germline.
Comment: This sequence change replaces proline, which is neutral and non-polar, with serine, which is neutral and polar, at codon 35793 of the TTN protein (p.Pro35793Ser). This variant is present in population databases (no rsID available, gnomAD no frequency). This variant has not been reported in the literature in individuals affected with TTN-related conditions. ClinVar contains an entry for this variant (Variation ID: 1374300). Experimental studies and prediction algorithms are not available or were not evaluated, and the functional significance of this variant is currently unknown. This variant is located in the M band of TTN (PMID: 25589632). Non-truncating variants in this region may be relevant for neuromuscular disorders, but have not been definitively shown to cause cardiomyopathy (PMID: 23975875). In summary, the available evidence is currently insufficient to determine the role of this variant in disease. Therefore, it has been classified as a Variant of Uncertain Significance.

Literature cited by the submitters: PubMed 25589632 (cited by Labcorp Genetics (formerly Invitae), Labcorp); PubMed 23975875 (cited by Labcorp Genetics (formerly Invitae), Labcorp).